The following is an entry in ClinVar:

NM_015909.4(NBAS):c.1108G>T (p.Asp370Tyr)

Gene: NBAS (NBAS subunit of NRZ tethering complex; minus strand). Cytogenetic location: 2p24.3.
Variant type: single nucleotide variant.
Coding change: c.1108G>T on transcript NM_015909.4 (MANE Select); coding-DNA position 1108, G replaced by T.
Protein change: p.Asp370Tyr; replaces aspartic acid 370 with tyrosine.
Molecular consequence: missense variant. On other transcripts: non-coding transcript variant (1).
Genome position (GRCh38, 1-based): chr2:15,478,265, C>A on the plus strand (G>T on the coding strand, the complement: NBAS is on the minus strand). VCF-style: chr2-15478265-C-A. GRCh37 (hg19) VCF-style: chr2-15618389-C-A.
Other names: short protein forms D370Y.
Identifiers: ClinVar variation 2186249 (VCV002186249.4), dbSNP rs1324001657, ClinGen allele CA345892653.
Genomic context (GRCh38, chr2:15,478,265, plus strand): 5'-ATCACATTTCGTAGAACTCACCTTTGATTTTTTTTCTCTTCTCAGTAGAGAGCCTCCAAT[C>A]AGGATTAAGGTCATCATAGCCTGGCTAAATATGAAAATAATGACTTCCTGAGTGAACTAT-3'
Protein context (NP_056993.2, residues 360-380): EQPGYDDLNP[Asp370Tyr]WRLSTEKRKK

ClinVar aggregate classification (germline): Uncertain significance (1 of 4 stars; one submission).

Submission:

Labcorp Genetics (formerly Invitae), Labcorp
Classification: Uncertain significance. Last evaluated: 2025-04-14. Review status: criteria provided, single submitter. Criteria: Invitae Variant Classification Sherloc (09022015). Collection method: clinical testing. Allele origin: germline.
Comment: This sequence change replaces aspartic acid, which is acidic and polar, with tyrosine, which is neutral and polar, at codon 370 of the NBAS protein (p.Asp370Tyr). This variant is not present in population databases (gnomAD no frequency). This variant has not been reported in the literature in individuals affected with NBAS-related conditions. ClinVar contains an entry for this variant (Variation ID: 2186249). Invitae Evidence Modeling of protein sequence and biophysical properties (such as structural, functional, and spatial information, amino acid conservation, physicochemical variation, residue mobility, and thermodynamic stability) indicates that this missense variant is not expected to disrupt NBAS protein function with a negative predictive value of 95%. Algorithms developed to predict the effect of sequence changes on RNA splicing suggest that this variant may disrupt the consensus splice site. In summary, the available evidence is currently insufficient to determine the role of this variant in disease. Therefore, it has been classified as a Variant of Uncertain Significance.